The following is an entry in ClinVar:

ClinVar aggregate classification (germline): Uncertain significance (1 of 4 stars; one submission).

Submission:

Labcorp Genetics (formerly Invitae), Labcorp
Classification: Uncertain significance. Last evaluated: 2021-11-10. Review status: criteria provided, single submitter. Criteria: Invitae Variant Classification Sherloc (09022015). Collection method: clinical testing. Allele origin: germline.
Comment: In summary, the available evidence is currently insufficient to determine the role of this variant in disease. Therefore, it has been classified as a Variant of Uncertain Significance. Algorithms developed to predict the effect of missense changes on protein structure and function are either unavailable or do not agree on the potential impact of this missense change (SIFT: "Deleterious"; PolyPhen-2: "Benign"; Align-GVGD: "Class C0"). This variant has not been reported in the literature in individuals affected with CTNNA1-related conditions. This variant is not present in population databases (gnomAD no frequency). This sequence change replaces alanine, which is neutral and non-polar, with aspartic acid, which is acidic and polar, at codon 550 of the CTNNA1 protein (p.Ala550Asp).

NM_001903.5(CTNNA1):c.1649C>A (p.Ala550Asp)

Gene: CTNNA1 (catenin alpha 1; plus strand). Cytogenetic location: 5q31.2.
Variant type: single nucleotide variant.
Coding change: c.1649C>A on transcript NM_001903.5 (MANE Select); coding-DNA position 1649, C replaced by A.
Protein change: p.Ala550Asp; replaces alanine 550 with aspartic acid.
Molecular consequence: missense variant.
Genome position (GRCh38, 1-based): chr5:138,924,612, C>A. VCF-style: chr5-138924612-C-A. GRCh37 (hg19) VCF-style: chr5-138260301-C-A.
Other names: c.539C>A, p.Ala180Asp (NM_001324000.1, NM_001324001.1, NM_001324002.1 and 17 more transcripts); c.200C>A, p.Ala67Asp (NM_001324006.1, NM_001324007.1, NM_001324008.1 and 2 more transcripts); c.1649C>A, p.Ala550Asp (NM_001290307.3, NM_001323982.2, NM_001323983.1 and 2 more transcripts); c.1340C>A, p.Ala447Asp (NM_001290309.3); c.1280C>A, p.Ala427Asp (NM_001290310.3); c.1556C>A, p.Ala519Asp (NM_001323986.2); c.446C>A, p.Ala149Asp (NM_001324011.1); c.296C>A, p.Ala99Asp (NM_001324012.1, NM_001324013.1); short protein forms A550D, A427D, A519D, A67D, A149D, A180D, A447D, A99D.
Identifiers: ClinVar variation 1392472 (VCV001392472.6), dbSNP rs2150289012, ClinGen allele CA361131894.
Genomic context (GRCh38, chr5:138,924,612, plus strand): 5'-TCCAAGAGAAGGATGTGGATGGCCTGGACCGCACAGCTGGTGCAATTCGAGGCCGGGCAG[C>A]CCGGGTCATTCACGTAGTCACCTCAGAGATGGACAACTATGAGCCAGGAGTCTACACAGA-3'
Protein context (NP_001894.2, residues 540-560): RTAGAIRGRA[Ala550Asp]RVIHVVTSEM